The following is an entry in ClinVar:

NM_000020.3(ACVRL1):c.1004A>T (p.Asn335Ile)

Gene: ACVRL1 (activin A receptor like type 1; plus strand). Cytogenetic location: 12q13.13.
Variant type: single nucleotide variant.
Coding change: c.1004A>T on transcript NM_000020.3 (MANE Select); coding-DNA position 1004, A replaced by T.
Protein change: p.Asn335Ile; replaces asparagine 335 with isoleucine.
Molecular consequence: missense variant.
Genome position (GRCh38, 1-based): chr12:51,915,456, A>T. VCF-style: chr12-51915456-A-T. GRCh37 (hg19) VCF-style: chr12-52309240-A-T.
Other names: c.1004A>T, p.Asn335Ile (NM_001077401.2); short protein forms N335I.
Identifiers: ClinVar variation 411313 (VCV000411313.8), dbSNP rs1060503247, ClinGen allele CA16614166.

ClinVar aggregate classification (germline): Likely pathogenic (1 of 4 stars; one submission).

Conditions:
Telangiectasia, hereditary hemorrhagic, type 2 (HHT2). Also called: ACVRL1-Related Hereditary Hemorrhagic Telangiectasia; Telangiectasia, hereditary hemorrhagic, type II. Identifiers: Orphanet 774, MedGen C1838163, MONDO:0010880, OMIM 600376. Disease mechanism: loss of function.

Submission:

Labcorp Genetics (formerly Invitae), Labcorp
Classification: Likely pathogenic for Telangiectasia, hereditary hemorrhagic, type 2. Last evaluated: 2021-05-25. Review status: criteria provided, single submitter. Criteria: Invitae Variant Classification Sherloc (09022015). Collection method: clinical testing. Allele origin: germline.
Comment: In summary, the currently available evidence indicates that the variant is pathogenic, but additional data are needed to prove that conclusively. Therefore, this variant has been classified as Likely Pathogenic. This variant disrupts the p.Asn335 amino acid residue in ACVRL1. Other variant(s) that disrupt this residue have been observed in individuals with ACVRL1-related conditions (PMID: 20414677, 32300199), which suggests that this may be a clinically significant amino acid residue. Algorithms developed to predict the effect of missense changes on protein structure and function (SIFT, PolyPhen-2, Align-GVGD) all suggest that this variant is likely to be disruptive, but these predictions have not been confirmed by published functional studies and their clinical significance is uncertain. This variant has been observed in individual(s) with hereditary hemorrhagic telangiectasia (HHT) (Invitae). ClinVar contains an entry for this variant (Variation ID: 411313). This variant is not present in population databases (ExAC no frequency). This sequence change replaces asparagine with isoleucine at codon 335 of the ACVRL1 protein (p.Asn335Ile). The asparagine residue is highly conserved and there is a large physicochemical difference between asparagine and isoleucine.

Literature cited by the submitters: PubMed 20414677; PubMed 32300199.